The following is an entry in ClinVar:

NM_000293.3(PHKB):c.2326C>T (p.Gln776Ter)

Gene: PHKB (phosphorylase kinase regulatory subunit beta; plus strand). Cytogenetic location: 16q12.1.
Variant type: single nucleotide variant.
Coding change: c.2326C>T on transcript NM_000293.3 (MANE Select); coding-DNA position 2326, C replaced by T.
Protein change: p.Gln776Ter; replaces glutamine 776 with a stop codon.
Molecular consequence: nonsense.
Genome position (GRCh38, 1-based): chr16:47,663,724, C>T. VCF-style: chr16-47663724-C-T. GRCh37 (hg19) VCF-style: chr16-47697635-C-T.
Other names: c.2305C>T, p.Gln769Ter (NM_001031835.3); c.2326C>T, p.Gln776Ter (NM_001363837.1); c.2305C>T (NM_001031835.2); short protein forms Q776*, Q769*.
Identifiers: ClinVar variation 620526 (VCV000620526.15), dbSNP rs149244943, ClinGen allele CA8041147.

ClinVar aggregate classification (germline): Pathogenic/Likely pathogenic. Review status: criteria provided, multiple submitters, no conflicts (2 of 4 stars). 6 submissions from 6 submitters: Pathogenic (2); Likely pathogenic (3). 1 of the submissions does not count toward it. Last evaluated 2025-12-28.

Conditions:
PHKB-related disorder. Also called: PHKB-related condition.
Glycogen storage disease IXb (GSD9B). Also called: PHOSPHORYLASE KINASE DEFICIENCY OF LIVER AND MUSCLE, AUTOSOMAL RECESSIVE; GLYCOGENOSIS OF LIVER AND MUSCLE, AUTOSOMAL RECESSIVE; GSD IXb. Identifiers: Orphanet 79240, MedGen C0543514, MONDO:0009868, OMIM 261750.
Glycogen phosphorylase kinase deficiency. Also called: Phosphorylase Kinase Deficiency; Glycogen Storage Disease Type IX. Identifiers: Orphanet 370, MedGen C0268147, MONDO:0700291.

Allele frequency attached by ClinVar (database versions not stated): ExAC 0.00003; gnomAD 0.00007 and 0.00008; ESP Exome Variant Server 0.00008; TOPMed 0.00008; gnomAD exomes 0.00013.
gnomAD v4.1: 210 of 1,606,342 alleles (0.013%); highest among the groups gnomAD compares: Non-Finnish European, 0.016%; no homozygotes.

Submissions (6):

Labcorp Genetics (formerly Invitae), Labcorp
Classification: Pathogenic for Glycogen storage disease IXb. Last evaluated: 2025-12-28. Review status: criteria provided, single submitter. Criteria: Invitae Variant Classification Sherloc (09022015). Collection method: clinical testing. Allele origin: germline.
Comment: This sequence change creates a premature translational stop signal (p.Gln776*) in the PHKB gene. It is expected to result in an absent or disrupted protein product. Loss-of-function variants in PHKB are known to be pathogenic (PMID: 9215682, 9326319). This variant is present in population databases (rs149244943, gnomAD 0.008%). This variant has not been reported in the literature in individuals affected with PHKB-related conditions. ClinVar contains an entry for this variant (Variation ID: 620526). Algorithms developed to predict the effect of sequence changes on RNA splicing suggest that this variant may disrupt the consensus splice site. For these reasons, this variant has been classified as Pathogenic.

Fulgent Genetics
Classification: Likely pathogenic for Glycogen storage disease IXb. Last evaluated: 2024-04-04. Review status: criteria provided, single submitter. Criteria: ACMG Guidelines, 2015. Collection method: clinical testing. Allele origin: germline.

Women's Health and Genetics/Laboratory Corporation of America, LabCorp
Classification: Likely pathogenic for Glycogen phosphorylase kinase deficiency. Last evaluated: 2023-03-13. Review status: criteria provided, single submitter. Criteria: LabCorp Variant Classification Summary - May 2015. Collection method: clinical testing. Allele origin: germline.
Comment: Variant summary: PHKB c.2326C>T (p.Gln776X) results in a premature termination codon, predicted to cause a truncation of the encoded protein or absence of the protein due to nonsense mediated decay, which are commonly known mechanisms for disease. At least one truncation downstream of this position has been classified as pathogenic by our laboratory. The variant allele was found at a frequency of 3.2e-05 in 251052 control chromosomes (gnomAD). To our knowledge, no occurrence of c.2326C>T in individuals affected with Glycogen Phosphorylase Kinase Deficiency and no experimental evidence demonstrating its impact on protein function have been reported. Two clinical diagnostic laboratories have submitted clinical-significance assessments for this variant to ClinVar after 2014 and classified the variant as pathogenic. Based on the evidence outlined above, the variant was classified as likely pathogenic.

GeneDx
Classification: Pathogenic. Last evaluated: 2019-01-11. Review status: criteria provided, single submitter. Criteria: GeneDx Variant Classification (06012015). Collection method: clinical testing. Allele origin: germline. Affected: yes.
Comment: The Q776X variant in the PHKB gene has not been reported previously as a pathogenic variant nor as a benign variant, to our knowledge. This variant is predicted to cause loss of normal protein function either through protein truncation or nonsense-mediated mRNA decay. The Q776X variant is not observed at a significant frequency in large population cohorts (Lek et al., 2016). We interpret Q776X as a pathogenic variant.

ARUP Laboratories, Molecular Genetics and Genomics, ARUP Laboratories
Classification: Likely pathogenic for Glycogen storage disease IXb. Review status: criteria provided, single submitter. Criteria: ARUP Molecular Germline Variant Investigation Process 2024. Collection method: clinical testing. Allele origin: germline.
Comment: The PHKB c.2326C>T; p.Gln776Ter variant is not reported in the medical literature. This variant is found in the general population with an overall allele frequency of 0.000042 (12/282432 alleles) in the Genome Aggregation Database (v2.1.1). This variant induces an early termination codon and is predicted to result in a truncated protein or mRNA subject to nonsense-mediated decay. Based on available information, this variant is considered to be likely pathogenic.

PreventionGenetics, part of Exact Sciences
Classification: Pathogenic for PHKB-related condition. Last evaluated: 2024-02-29. Review status: no assertion criteria provided. Collection method: clinical testing. Allele origin: germline. Not counted in ClinVar's aggregate classification.
Comment: The PHKB c.2305C>T variant is predicted to result in premature protein termination (p.Gln769*). To our knowledge, this variant has not been reported in individuals with phosphorylase kinase deficiency in the literature. This variant is reported in 0.0085% of alleles in individuals of European (Non-Finnish) descent in gnomAD. Nonsense variants in PHKB are expected to be pathogenic. This variant is interpreted as pathogenic.

Literature cited by the submitters: PubMed 9215682 (cited by Labcorp Genetics (formerly Invitae), Labcorp); PubMed 9326319 (cited by Labcorp Genetics (formerly Invitae), Labcorp).